The following is an entry in ClinVar:

NM_001023570.4(IQCB1):c.1278+2del

Gene: IQCB1 (IQ motif containing B1; minus strand). Cytogenetic location: 3q13.33.
Variant type: Deletion.
Coding change: c.1278+2del on transcript NM_001023570.4 (MANE Select); the canonical splice donor site of the intron after coding-DNA position 1278, one base deleted (T; older notation c.1278+2delT).
Molecular consequence: splice donor variant.
Genome position (GRCh38, 1-based): chr3:121,788,282, A deleted on the plus strand (T on the coding strand, the reverse complement: IQCB1 is on the minus strand). VCF-style (leftmost placement, unchanged base first): chr3-121788281-CA-C. GRCh37 (hg19) VCF-style: chr3-121507128-CA-C.
Other names: c.1278+2del (NM_001319107.2); c.879+2del (NM_001023571.4).
Identifiers: ClinVar variation 3706429 (VCV003706429.2).

ClinVar aggregate classification (germline): Likely pathogenic (1 of 4 stars; one submission).

Conditions:
Nephronophthisis. Also called: Juvenile Nephronophthisis. Identifiers: Orphanet 655, MedGen C0687120, MONDO:0019005, HP:0000090.

Submission:

Labcorp Genetics (formerly Invitae), Labcorp
Classification: Likely pathogenic for Nephronophthisis. Last evaluated: 2024-09-23. Review status: criteria provided, single submitter. Criteria: Invitae Variant Classification Sherloc (09022015). Collection method: clinical testing. Allele origin: germline.
Comment: This sequence change affects a splice site in intron 12 of the IQCB1 gene. It is expected to disrupt RNA splicing. Variants that disrupt the donor or acceptor splice site typically lead to a loss of protein function (PMID: 16199547), and loss-of-function variants in IQCB1 are known to be pathogenic (PMID: 15723066, 21901789, 23559409, 28041643). This variant is not present in population databases (gnomAD no frequency). This variant has not been reported in the literature in individuals affected with IQCB1-related conditions. Algorithms developed to predict the effect of sequence changes on RNA splicing suggest that this variant may disrupt the consensus splice site. In summary, the currently available evidence indicates that the variant is pathogenic, but additional data are needed to prove that conclusively. Therefore, this variant has been classified as Likely Pathogenic.

Literature cited by the submitters: PubMed 16199547; PubMed 15723066; PubMed 21901789; PubMed 23559409; PubMed 28041643.